The following is an entry in ClinVar:

ClinVar aggregate classification (germline): Uncertain significance (1 of 4 stars; one submission).

Conditions:
Inborn genetic diseases. Identifiers: MedGen C0950123, MeSH D030342.

Allele frequency attached by ClinVar (database versions not stated): gnomAD 0.00001.
gnomAD v4.1: 2 of 1,552,058 alleles (0.00013%); highest among the groups gnomAD compares: African/African-American, 0.0027%; no homozygotes.

Submission:

Ambry Genetics
Classification: Uncertain significance for Inborn genetic diseases. Last evaluated: 2020-10-26. Review status: criteria provided, single submitter. Criteria: Ambry Variant Classification Scheme 2023. Collection method: clinical testing. Allele origin: germline.
Comment: The c.596C>T (p.A199V) alteration is located in exon 3 (coding exon 3) of the SETD2 gene. This alteration results from a C to T substitution at nucleotide position 596, causing the alanine (A) at amino acid position 199 to be replaced by a valine (V). Based on data from the Genome Aggregation Database (gnomAD) database, the SETD2 c.596C>T alteration was observed in 0.0006% (1/158,382) of total alleles studied. This amino acid position is not well conserved in available vertebrate species. The p.A199V alteration is predicted to be tolerated by in silico analysis. Based on insufficient or conflicting evidence, the clinical significance of this alteration remains unclear.

NM_014159.7(SETD2):c.596C>T (p.Ala199Val)

Gene: SETD2 (SET domain containing 2, histone lysine methyltransferase; minus strand). Cytogenetic location: 3p21.31.
Variant type: single nucleotide variant.
Coding change: c.596C>T on transcript NM_014159.7 (MANE Select); coding-DNA position 596, C replaced by T.
Protein change: p.Ala199Val; replaces alanine 199 with valine.
Molecular consequence: missense variant. On other transcripts: non-coding transcript variant (1).
Genome position (GRCh38, 1-based): chr3:47,124,040, G>A on the plus strand (C>T on the coding strand, the complement: SETD2 is on the minus strand). VCF-style: chr3-47124040-G-A. GRCh37 (hg19) VCF-style: chr3-47165530-G-A.
Other names: c.464C>T, p.Ala155Val (NM_001349370.3); short protein forms A155V, A199V.
Identifiers: ClinVar variation 2227782 (VCV002227782.2), dbSNP rs1398542713, ClinGen allele CA352535948.